The following is an entry in ClinVar:

NM_004408.4(DNM1):c.46C>A (p.Leu16Met)

Genes: CIZ1 (CDKN1A interacting zinc finger protein 1; minus strand), DNM1 (dynamin 1; plus strand). Cytogenetic location: 9q34.11.
Variant type: single nucleotide variant.
Coding change: c.46C>A on transcript NM_004408.4 (MANE Select); coding-DNA position 46, C replaced by A.
Protein change: p.Leu16Met; replaces leucine 16 with methionine.
Molecular consequence: missense variant. On other transcripts: intron variant (2).
Genome position (GRCh38, 1-based): chr9:128,203,516, C>A. VCF-style: chr9-128203516-C-A. GRCh37 (hg19) VCF-style: chr9-130965795-C-A.
Other names: p.Leu16Met; c.46C>A, p.Leu16Met (NM_001005336.3, NM_001288737.2, NM_001288738.2 and 2 more transcripts); c.-6+670G>T (NM_001131015.2, NM_012127.3); short protein forms L16M.
Identifiers: ClinVar variation 380950 (VCV000380950.18), dbSNP rs61757224, ClinGen allele CA5257721.

ClinVar aggregate classification (germline): Benign. Review status: criteria provided, multiple submitters, no conflicts (2 of 4 stars). 7 submissions from 7 submitters: Benign (7). Last evaluated 2026-02-03.

Conditions:
Developmental and epileptic encephalopathy, 31A. Also called: Epileptic encephalopathy, early infantile, 31; Developmental and epileptic encephalopathy, 31. Identifiers: Orphanet 2382, MedGen C4225357, MONDO:0014598, OMIM 616346.
Inborn genetic diseases. Identifiers: MedGen C0950123, MeSH D030342.

Allele frequency attached by ClinVar (database versions not stated): ESP Exome Variant Server 0.00255; TOPMed 0.00771; gnomAD exomes 0.01375 and 0.00758; 1000 Genomes Project 0.02796; ExAC 0.03352; gnomAD 0.00511 and 0.00691; 1000 Genomes Project 30x 0.02545.
gnomAD v4.1: 11,598 of 1,540,792 alleles (0.75%); highest among the groups gnomAD compares: East Asian, 10%; 292 homozygotes.

Submissions (7):

Labcorp Genetics (formerly Invitae), Labcorp
Classification: Benign for Developmental and epileptic encephalopathy, 31A. Last evaluated: 2026-02-03. Review status: criteria provided, single submitter. Criteria: Invitae Variant Classification Sherloc (09022015). Collection method: clinical testing. Allele origin: germline.

Fulgent Genetics
Classification: Benign for Developmental and epileptic encephalopathy, 31A. Last evaluated: 2022-02-18. Review status: criteria provided, single submitter. Criteria: ACMG Guidelines, 2015. Collection method: clinical testing. Allele origin: unknown.

Mayo Clinic Laboratories, Mayo Clinic
Classification: Benign. Last evaluated: 2019-03-20. Review status: criteria provided, single submitter. Criteria: ACMG Guidelines, 2015. Collection method: clinical testing. Allele origin: germline. Observed: 8 variant alleles.

Athena Diagnostics
Classification: Benign. Last evaluated: 2017-09-14. Review status: criteria provided, single submitter. Criteria: Athena Diagnostics Criteria. Collection method: clinical testing. Allele origin: germline.

Ambry Genetics
Classification: Benign for Inborn genetic diseases. Last evaluated: 2016-02-22. Review status: criteria provided, single submitter. Criteria: Ambry Variant Classification Scheme 2023. Collection method: clinical testing. Allele origin: germline.

GeneDx
Classification: Benign. Last evaluated: 2016-01-22. Review status: criteria provided, single submitter. Criteria: GeneDx Variant Classification (06012015). Collection method: clinical testing. Allele origin: germline. Affected: yes.
Comment: This variant is considered likely benign or benign based on one or more of the following criteria: it is a conservative change, it occurs at a poorly conserved position in the protein, it is predicted to be benign by multiple in silico algorithms, and/or has population frequency not consistent with disease.

Breakthrough Genomics
Classification: Benign. Review status: criteria provided, single submitter. Criteria: ACMG Guidelines, 2015. Collection method: not provided. Allele origin: germline. Inheritance: Autosomal dominant inheritance. Affected: yes.